The following is an entry in ClinVar:

NM_001040142.2(SCN2A):c.5175T>G (p.Asn1725Lys)

Gene: SCN2A (sodium voltage-gated channel alpha subunit 2; plus strand). Cytogenetic location: 2q24.3.
Variant type: single nucleotide variant.
Coding change: c.5175T>G on transcript NM_001040142.2 (MANE Select); coding-DNA position 5175, T replaced by G.
Protein change: p.Asn1725Lys; replaces asparagine 1725 with lysine.
Molecular consequence: missense variant.
Genome position (GRCh38, 1-based): chr2:165,388,981, T>G. VCF-style: chr2-165388981-T-G. GRCh37 (hg19) VCF-style: chr2-166245491-T-G.
Other names: c.5175T>G, p.Asn1725Lys (NM_001040143.2, NM_001371246.1, NM_001371247.1 and 1 more transcripts); short protein forms N1725K.
Identifiers: ClinVar variation 1702757 (VCV001702757.7), dbSNP rs1428775007, ClinGen allele CA349038372.
Genomic context (GRCh38, chr2:165,388,981, plus strand): 5'-CTGCCTGTTCCAAATTACAACCTCTGCTGGCTGGGATGGATTGCTAGCACCTATTCTTAA[T>G]AGTGGACCTCCAGACTGTGACCCTGACAAAGATCACCCTGGAAGCTCAGTTAAAGGAGAC-3'
Protein context (NP_001035232.1, residues 1715-1735): GWDGLLAPIL[Asn1725Lys]SGPPDCDPDK

ClinVar aggregate classification (germline): Uncertain significance. Review status: criteria provided, multiple submitters, no conflicts (2 of 4 stars). 2 submissions from 2 submitters: Uncertain significance (2). Last evaluated 2023-08-10.

Conditions:
Seizures, benign familial infantile, 3 (BFIS3). Also called: Familial neonatal seizures; CONVULSIONS, BENIGN FAMILIAL INFANTILE, 3. Identifiers: Orphanet 140927, Orphanet 306, MedGen C1843140, MONDO:0011904, OMIM 607745.
Developmental and epileptic encephalopathy, 11 (DEE11). Also called: Early infantile epileptic encephalopathy 11. Identifiers: Orphanet 1934, MedGen C3150987, MONDO:0013388, OMIM 613721.

Submissions (2):

Labcorp Genetics (formerly Invitae), Labcorp
Classification: Uncertain significance for Seizures, benign familial infantile, 3; Developmental and epileptic encephalopathy, 11. Last evaluated: 2023-08-10. Review status: criteria provided, single submitter. Criteria: Invitae Variant Classification Sherloc (09022015). Collection method: clinical testing. Allele origin: germline.
Comment: This sequence change replaces asparagine, which is neutral and polar, with lysine, which is basic and polar, at codon 1725 of the SCN2A protein (p.Asn1725Lys). This variant is not present in population databases (gnomAD no frequency). This variant has not been reported in the literature in individuals affected with SCN2A-related conditions. ClinVar contains an entry for this variant (Variation ID: 1702757). Advanced modeling of protein sequence and biophysical properties (such as structural, functional, and spatial information, amino acid conservation, physicochemical variation, residue mobility, and thermodynamic stability) has been performed at Invitae for this missense variant, however the output from this modeling did not meet the statistical confidence thresholds required to predict the impact of this variant on SCN2A protein function. In summary, the available evidence is currently insufficient to determine the role of this variant in disease. Therefore, it has been classified as a Variant of Uncertain Significance.

GeneDx
Classification: Uncertain significance. Last evaluated: 2022-02-21. Review status: criteria provided, single submitter. Criteria: GeneDx Variant Classification Process June 2021. Collection method: clinical testing. Allele origin: germline. Affected: yes.
Comment: Not observed at significant frequency in large population cohorts (gnomAD); Missense variants in this gene are often considered pathogenic (HGMD); In silico analysis supports that this missense variant has a deleterious effect on protein structure/function; Has not been previously published as pathogenic or benign to our knowledge; This substitution is predicted to be within the extracellular loop between the S5 and S6 transmembrane segments of the fourth homologous domain